The following is an entry in ClinVar:

ClinVar aggregate classification (germline): Uncertain significance. Review status: criteria provided, multiple submitters, no conflicts (2 of 4 stars). 2 submissions from 2 submitters: Uncertain significance (2). Last evaluated 2025-11-26.

gnomAD v4.1: 13 of 1,613,894 alleles (0.00081%); highest among the groups gnomAD compares: Non-Finnish European, 0.0011%; no homozygotes.

Submissions (2):

GeneDx
Classification: Uncertain significance. Last evaluated: 2025-11-26. Review status: criteria provided, single submitter. Criteria: GeneDx Variant Classification Process June 2021. Collection method: clinical testing. Allele origin: germline. Affected: yes.
Comment: Not observed at significant frequency in large population cohorts (gnomAD); In silico analysis supports that this missense variant has a deleterious effect on protein structure/function; Has not been previously published as pathogenic or benign to our knowledge

Blueprint Genetics
Classification: Uncertain significance. Last evaluated: 2024-11-21. Review status: criteria provided, single submitter. Criteria: ACMG Guidelines, 2015. Collection method: clinical testing. Allele origin: germline.

NM_005548.3(KARS1):c.1425G>T (p.Trp475Cys)

Genes: KARS1 (lysyl-tRNA synthetase 1; minus strand), LOC126862402 (CDK7 strongly-dependent group 2 enhancer GRCh37_chr16:75663368-75664567; plus strand). Cytogenetic location: 16q23.1.
Variant type: single nucleotide variant.
Coding change: c.1425G>T on transcript NM_005548.3 (MANE Select); coding-DNA position 1425, G replaced by T.
Protein change: p.Trp475Cys; replaces tryptophan 475 with cysteine.
Molecular consequence: missense variant.
Genome position (GRCh38, 1-based): chr16:75,629,541, C>A on the plus strand (G>T on the coding strand, the complement: KARS1 is on the minus strand). VCF-style: chr16-75629541-C-A. GRCh37 (hg19) VCF-style: chr16-75663439-C-A.
Other names: c.1509G>T, p.Trp503Cys (NM_001130089.2); c.957G>T, p.Trp319Cys (NM_001378148.1); short protein forms W319C, W475C, W503C.
Identifiers: ClinVar variation 3901425 (VCV003901425.3).